The following is an entry in ClinVar:

NM_001145026.2(PTPRQ):c.3243C>T (p.Asn1081=)

Gene: PTPRQ (protein tyrosine phosphatase receptor type Q; plus strand). Cytogenetic location: 12q21.31.
Variant type: single nucleotide variant.
Coding change: c.3243C>T on transcript NM_001145026.2 (MANE Select); coding-DNA position 3243, C replaced by T.
Protein change: p.Asn1081=; no amino-acid change (asparagine 1081 retained).
Molecular consequence: synonymous variant.
Genome position (GRCh38, 1-based): chr12:80,541,643, C>T. VCF-style: chr12-80541643-C-T. GRCh37 (hg19) VCF-style: chr12-80935422-C-T.
Identifiers: ClinVar variation 4821920 (VCV004821920.4).

ClinVar aggregate classification (germline): Likely benign (1 of 4 stars; one submission).

gnomAD v4.1: 51 of 1,548,652 alleles (0.0033%); highest among the groups gnomAD compares: East Asian, 0.017%; no homozygotes.

Submission:

CeGaT Center for Human Genetics Tuebingen
Classification: Likely benign. Last evaluated: 2026-03-01. Review status: criteria provided, single submitter. Criteria: CeGaT Center For Human Genetics Tuebingen Variant Classification Criteria Version 2. Collection method: clinical testing. Allele origin: germline. Affected: yes. Observed: 1 variant allele.
Comment: PTPRQ: BP4, BP7